The following is an entry in ClinVar:

ClinVar aggregate classification (germline): Uncertain significance (1 of 4 stars; one submission).

gnomAD v4.1: 1 of 1,614,072 alleles (0.000062%); highest among the groups gnomAD compares: African/African-American, 0.0013%; no homozygotes.

Submission:

CeGaT Center for Human Genetics Tuebingen
Classification: Uncertain significance. Last evaluated: 2025-07-01. Review status: criteria provided, single submitter. Criteria: CeGaT Center For Human Genetics Tuebingen Variant Classification Criteria Version 2. Collection method: clinical testing. Allele origin: germline. Affected: yes. Observed: 1 variant allele.
Comment: SEC31A: PM2, BP4

NM_001077207.4(SEC31A):c.1259A>C (p.Gln420Pro)

Gene: SEC31A (SEC31 homolog A, COPII component; minus strand). Cytogenetic location: 4q21.22.
Variant type: single nucleotide variant.
Coding change: c.1259A>C on transcript NM_001077207.4 (MANE Select); coding-DNA position 1259, A replaced by C.
Protein change: p.Gln420Pro; replaces glutamine 420 with proline.
Molecular consequence: missense variant.
Genome position (GRCh38, 1-based): chr4:82,864,537, T>G on the plus strand (A>C on the coding strand, the complement: SEC31A is on the minus strand). VCF-style: chr4-82864537-T-G. GRCh37 (hg19) VCF-style: chr4-83785690-T-G.
Other names: c.1259A>C, p.Gln420Pro (NM_001077206.4, NM_001077208.4, NM_001400159.1 and 48 more transcripts); c.785A>C, p.Gln262Pro (NM_001400224.1); c.1244A>C, p.Gln415Pro (NM_001191049.2, NM_001400212.1, NM_001400214.1); c.1097A>C, p.Gln366Pro (NM_001400215.1); short protein forms Q262P, Q366P, Q415P, Q420P.
Identifiers: ClinVar variation 4085487 (VCV004085487.8).